The following is an entry in ClinVar:

NM_006662.3(SRCAP):c.5033C>T (p.Thr1678Met)

Gene: SRCAP (Snf2 related CREBBP activator protein; plus strand). Cytogenetic location: 16p11.2.
Variant type: single nucleotide variant.
Coding change: c.5033C>T on transcript NM_006662.3 (MANE Select); coding-DNA position 5033, C replaced by T.
Protein change: p.Thr1678Met; replaces threonine 1678 with methionine.
Molecular consequence: missense variant.
Genome position (GRCh38, 1-based): chr16:30,724,457, C>T. VCF-style: chr16-30724457-C-T. GRCh37 (hg19) VCF-style: chr16-30735778-C-T.
Other names: c.5033C>T (NM_006662.2); short protein forms T1678M.
Identifiers: ClinVar variation 2183877 (VCV002183877.6), dbSNP rs759622628, ClinGen allele CA8011886.

ClinVar aggregate classification (germline): Conflicting classifications of pathogenicity. Review status: criteria provided, conflicting classifications (1 of 4 stars). 3 submissions from 3 submitters: Uncertain significance (1); Likely benign (2). Last evaluated 2026-02-04.

Conditions:
Inborn genetic diseases. Identifiers: MedGen C0950123, MeSH D030342.

Allele frequency attached by ClinVar (database versions not stated): TOPMed 0.00011; gnomAD 0.00012; ExAC 0.00013; gnomAD exomes 0.00022.
gnomAD v4.1: 341 of 1,614,234 alleles (0.021%); highest among the groups gnomAD compares: Non-Finnish European, 0.027%; no homozygotes.

Submissions (3):

Ambry Genetics
Classification: Likely benign for Inborn genetic diseases. Last evaluated: 2026-02-04. Review status: criteria provided, single submitter. Criteria: Ambry Variant Classification Scheme 2023. Collection method: clinical testing. Allele origin: germline.

Labcorp Genetics (formerly Invitae), Labcorp
Classification: Uncertain significance. Last evaluated: 2025-09-10. Review status: criteria provided, single submitter. Criteria: Invitae Variant Classification Sherloc (09022015). Collection method: clinical testing. Allele origin: germline.
Comment: This sequence change replaces threonine, which is neutral and polar, with methionine, which is neutral and non-polar, at codon 1678 of the SRCAP protein (p.Thr1678Met). This variant is present in population databases (rs759622628, gnomAD 0.02%). This variant has not been reported in the literature in individuals affected with SRCAP-related conditions. ClinVar contains an entry for this variant (Variation ID: 2183877). Invitae Evidence Modeling of protein sequence and biophysical properties (such as structural, functional, and spatial information, amino acid conservation, physicochemical variation, residue mobility, and thermodynamic stability) indicates that this missense variant is not expected to disrupt SRCAP protein function with a negative predictive value of 80%. In summary, the available evidence is currently insufficient to determine the role of this variant in disease. Therefore, it has been classified as a Variant of Uncertain Significance.

Blueprint Genetics
Classification: Likely benign. Last evaluated: 2024-05-21. Review status: criteria provided, single submitter. Criteria: ACMG Guidelines, 2015. Collection method: clinical testing. Allele origin: germline.